The following is an entry in ClinVar:

NM_002354.3(EPCAM):c.141G>C (p.Gln47His)

Gene: EPCAM (epithelial cell adhesion molecule; plus strand). Cytogenetic location: 2p21.
Variant type: single nucleotide variant.
Coding change: c.141G>C on transcript NM_002354.3 (MANE Select); coding-DNA position 141, G replaced by C.
Protein change: p.Gln47His; replaces glutamine 47 with histidine.
Molecular consequence: missense variant.
Genome position (GRCh38, 1-based): chr2:47,373,527, G>C. VCF-style: chr2-47373527-G-C. GRCh37 (hg19) VCF-style: chr2-47600666-G-C.
Other names: short protein forms Q47H.
Identifiers: ClinVar variation 4056091 (VCV004056091.2).
Genomic context (GRCh38, chr2:47,373,527, plus strand): 5'-TGTCTGTGAAAACTACAAGCTGGCCGTAAACTGCTTTGTGAATAATAATCGTCAATGCCA[G>C]TGTACTTCAGTTGGTGCACAAAATACTGTCATTTGCTCAAAGCGTGAGTAAAATATCCTA-3'
Protein context (NP_002345.2, residues 37-57): NCFVNNNRQC[Gln47His]CTSVGAQNTV

ClinVar aggregate classification (germline): Uncertain significance (1 of 4 stars; one submission).

Conditions:
Lynch syndrome 8 (LYNCH8). Also called: Colorectal cancer, hereditary nonpolyposis, type 8. Identifiers: Orphanet 144, MedGen C2750471, MONDO:0013196, OMIM 613244.

gnomAD v4.1: 17 of 1,613,732 alleles (0.0011%); highest among the groups gnomAD compares: South Asian, 0.016%; no homozygotes.

Submission:

St. Jude Molecular Pathology, St. Jude Children's Research Hospital
Classification: Uncertain significance for Lynch syndrome 8. Last evaluated: 2025-06-17. Review status: criteria provided, single submitter. Criteria: St. Jude Assertion Criteria 2020. Collection method: clinical testing. Allele origin: germline.
Comment: The EPCAM c.141G>C p.(Gln47His) missense variant has a maximum subpopulation frequency of 0.0098% in gnomAD v2.1.1. The in silico tool REVEL predicts a benign effect on protein function, but to our knowledge this prediction has not been confirmed by functional studies. To our knowledge, this variant has not been reported in individuals with EPCAM- associated conditions. In summary, the evidence currently available is insufficient to determine the clinical significance of this variant. It has therefore been classified as of uncertain significance.